The following is an entry in ClinVar:

NM_001378454.1(ALMS1):c.1178C>A (p.Ser393Ter)

Gene: ALMS1 (ALMS1 centrosome and basal body associated protein; plus strand). Cytogenetic location: 2p13.1.
Variant type: single nucleotide variant.
Coding change: c.1178C>A on transcript NM_001378454.1 (MANE Select); coding-DNA position 1178, C replaced by A.
Protein change: p.Ser393Ter; replaces serine 393 with a stop codon.
Molecular consequence: nonsense.
Genome position (GRCh38, 1-based): chr2:73,424,843, C>A. VCF-style: chr2-73424843-C-A. GRCh37 (hg19) VCF-style: chr2-73651971-C-A.
Other names: c.1181C>A, p.Ser394Ter (NM_015120.4); short protein forms S393*, S394*.
Identifiers: ClinVar variation 1726501 (VCV001726501.2), dbSNP rs1231670313, ClinGen allele CA347261659.

ClinVar aggregate classification (germline): Likely pathogenic (1 of 4 stars; one submission).

Conditions:
Alstrom syndrome (ALMS). Identifiers: Orphanet 64, MedGen C0268425, MONDO:0008763, OMIM 203800.

Submission:

Myriad Genetics, Inc.
Classification: Likely pathogenic for Alstrom syndrome. Last evaluated: 2021-12-17. Review status: criteria provided, single submitter. Criteria: Myriad Women's Health Autosomal Recessive and X-Linked Classification Criteria (2021). Collection method: clinical testing. Allele origin: unknown.
Comment: NM_015120.4(ALMS1):c.1181C>A(S394*) is expected to be pathogenic in the context of Alstrom syndrome. This variant is predicted to lead to an abnormal or absent protein product due to the creation of a premature termination codon in ALMS1, a gene where loss-of-function variants are known to be pathogenic. Please note: this variant was assessed in the context of healthy population screening.